The following is an entry in ClinVar:

NM_001267550.2(TTN):c.95893A>G (p.Ile31965Val)

Genes: TTN (titin; minus strand), TTN-AS1 (TTN antisense RNA 1; plus strand). Cytogenetic location: 2q31.2.
Variant type: single nucleotide variant.
Coding change: c.95893A>G on transcript NM_001267550.2 (MANE Select); coding-DNA position 95893, A replaced by G.
Protein change: p.Ile31965Val; replaces isoleucine 31965 with valine.
Molecular consequence: missense variant.
Genome position (GRCh38, 1-based): chr2:178,544,336, T>C on the plus strand (A>G on the coding strand, the complement: TTN is on the minus strand). VCF-style: chr2-178544336-T-C. GRCh37 (hg19) VCF-style: chr2-179409063-T-C.
Other names: c.90970A>G, p.Ile30324Val (NM_001256850.1); c.68698A>G, p.Ile22900Val (NM_003319.4); c.88189A>G, p.Ile29397Val (NM_133378.4); c.69073A>G, p.Ile23025Val (NM_133432.3); c.69274A>G, p.Ile23092Val (NM_133437.4); short protein forms I22900V, I23025V, I23092V, I29397V, I30324V, I31965V.
Identifiers: ClinVar variation 2580029 (VCV002580029.1), dbSNP rs1696027685, ClinGen allele CA349456257.
Genomic context (GRCh38, chr2:178,544,336, plus strand): 5'-CTCTGAAGGAATATTTCTGGCCCATTTTAAGGTCTGGCACAGTGAATTCAGTATTTCTTA[T>C]TGTGGCATTGGTATGCACTCGGTACCACTGATCAGTGTCCTTCTCTTGCATTTCCAGAAC-3'
Protein context (NP_001254479.2, residues 31955-31975): QWYRVHTNAT[Ile31965Val]RNTEFTVPDL

ClinVar aggregate classification (germline): Uncertain significance (1 of 4 stars; one submission).

Allele frequency attached by ClinVar (database versions not stated): gnomAD exomes below 0.00001; TOPMed below 0.00001.
gnomAD v4.1: 2 of 1,613,822 alleles (0.00012%); highest among the groups gnomAD compares: Non-Finnish European, 0.00017%; no homozygotes.

Submission:

GeneDx
Classification: Uncertain significance. Last evaluated: 2023-03-13. Review status: criteria provided, single submitter. Criteria: GeneDx Variant Classification Process June 2021. Collection method: clinical testing. Allele origin: germline. Affected: yes.
Comment: Not observed at significant frequency in large population cohorts (gnomAD); In silico analysis suggests this variant may impact gene splicing. In the absence of RNA/functional studies, the actual effect of this sequence change is unknown.; Has not been previously published as pathogenic or benign to our knowledge